The following is an entry in ClinVar:

NM_144631.6(ZNF513):c.439C>T (p.Arg147Trp)

Gene: ZNF513 (zinc finger protein 513; minus strand). Cytogenetic location: 2p23.3.
Variant type: single nucleotide variant.
Coding change: c.439C>T on transcript NM_144631.6 (MANE Select); coding-DNA position 439, C replaced by T.
Protein change: p.Arg147Trp; replaces arginine 147 with tryptophan.
Molecular consequence: missense variant.
Genome position (GRCh38, 1-based): chr2:27,378,827, G>A on the plus strand (C>T on the coding strand, the complement: ZNF513 is on the minus strand). VCF-style: chr2-27378827-G-A. GRCh37 (hg19) VCF-style: chr2-27601694-G-A.
Other names: c.253C>T, p.Arg85Trp (NM_001201459.2); c.439C>T (NM_144631.5); short protein forms R147W, R85W.
Identifiers: ClinVar variation 3619779 (VCV003619779.3).

ClinVar aggregate classification (germline): Uncertain significance. Review status: criteria provided, multiple submitters, no conflicts (2 of 4 stars). 2 submissions from 2 submitters: Uncertain significance (2). Last evaluated 2024-12-31.

Submissions (2):

Ambry Genetics
Classification: Uncertain significance. Last evaluated: 2024-12-31. Review status: criteria provided, single submitter. Criteria: Ambry Variant Classification Scheme 2023. Collection method: clinical testing. Allele origin: germline.

Labcorp Genetics (formerly Invitae), Labcorp
Classification: Uncertain significance. Last evaluated: 2024-03-28. Review status: criteria provided, single submitter. Criteria: Invitae Variant Classification Sherloc (09022015). Collection method: clinical testing. Allele origin: germline.
Comment: This sequence change replaces arginine, which is basic and polar, with tryptophan, which is neutral and slightly polar, at codon 147 of the ZNF513 protein (p.Arg147Trp). This variant is present in population databases (rs750129197, gnomAD 0.002%). This variant has not been reported in the literature in individuals affected with ZNF513-related conditions. An algorithm developed to predict the effect of missense changes on protein structure and function (PolyPhen-2) suggests that this variant is likely to be disruptive. In summary, the available evidence is currently insufficient to determine the role of this variant in disease. Therefore, it has been classified as a Variant of Uncertain Significance.